The following is an entry in ClinVar:

ClinVar aggregate classification (germline): Uncertain significance (1 of 4 stars; one submission).

Submission:

Labcorp Genetics (formerly Invitae), Labcorp
Classification: Uncertain significance. Last evaluated: 2022-07-30. Review status: criteria provided, single submitter. Criteria: Invitae Variant Classification Sherloc (09022015). Collection method: clinical testing. Allele origin: germline.
Comment: This variant is a gross deletion of the genomic region encompassing exon(s) 54-62 of the LRP2 gene. This variant would be expected to be in-frame, preserving the integrity of the reading frame. This variant has not been reported in the literature in individuals affected with LRP2-related conditions. Experimental studies and prediction algorithms are not available or were not evaluated, and the functional significance of this variant is currently unknown. This variant disrupts a region of the LRP2 protein in which other variant(s) (p.Asp4252Tyr) have been observed in individuals with LRP2-related conditions (Invitae). This suggests that this is a clinically significant region of the protein, and that variants that disrupt it are likely to be disease-causing. In summary, the available evidence is currently insufficient to determine the role of this variant in disease. Therefore, it has been classified as a Variant of Uncertain Significance.

NC_000002.11:g.(?_170022422)_(170033118_?)del

Gene: LRP2 (LDL receptor related protein 2; minus strand). Cytogenetic location: 2q31.1.
Variant type: Deletion.
Identifiers: ClinVar variation 2425145 (VCV002425145.4).